The following continues an entry in ClinVar:

NC_012920.1(MT-ATP6):m.9035T>C

Gene: MT-ATP6. ClinVar aggregate classification (germline): Likely pathogenic. Likely pathogenic (1).

Submissions 8 to 12 of 12:

Wong Mito Lab, Molecular and Human Genetics, Baylor College of Medicine
Classification: Pathogenic for Leigh syndrome. Last evaluated: 2019-10-17. Review status: criteria provided, single submitter. Criteria: Modified ACMG Guidelines (Unpublished). Collection method: clinical testing. Allele origin: germline. Not counted in ClinVar's aggregate classification.
Comment: The NC_012920.1:m.9035T>C (YP_003024031.1:p.Leu170Pro) variant in MTATP6 gene is interpretated to be a Pathogenic variant based on the modified ACMG guidelines (unpublished). This variant meets the following evidence codes: PS1, PS3

Centre for Mendelian Genomics, University Medical Centre Ljubljana
Classification: Pathogenic. Last evaluated: 2018-10-05. Review status: criteria provided, single submitter. Criteria: ACMG Guidelines, 2015. Collection method: clinical testing. Allele origin: unknown. Affected: yes. Not counted in ClinVar's aggregate classification.
Comment: This variant was classified as: Pathogenic. The following ACMG criteria were applied in classifying this variant: PS1,PS3,PM2,PP1-S,PP3. This variant was detected in homozygous state.

Pediatric Department, Xiangya Hospital, Central South University
Classification: Uncertain significance for Leigh syndrome. Review status: criteria provided, single submitter. Criteria: ACMG Guidelines, 2015. Collection method: clinical testing. Allele origin: maternal. Affected: yes. Not counted in ClinVar's aggregate classification.

Solve-RD Consortium
Classification: Likely pathogenic for NARP syndrome. Last evaluated: 2022-06-01. Review status: no assertion criteria provided. Collection method: provider interpretation. Allele origin: maternal. Affected: yes. Not counted in ClinVar's aggregate classification.
Comment: Variant confirmed as disease-causing by referring clinical team

Variant identified during reanalysis of unsolved cases by the Solve-RD project. The Solve-RD project has received funding from the European Union’s Horizon 2020 research and innovation programme under grant agreement No 779257.

Equipe Genetique des Anomalies du Developpement, Université de Bourgogne
Classification: Likely pathogenic for Progressive cerebellar ataxia. Last evaluated: 2018-06-01. Review status: no assertion criteria provided. Collection method: research. Allele origin: maternal. Affected: yes. Observed: 1 variant allele. Not counted in ClinVar's aggregate classification.

Literature cited by the submitters: PubMed 29467576 (cited by Clinical Omics and Informatics (COIN) Unit, Neuroscience Institute, University Of Cape Town); PubMed 22577227 (cited by 3 submitters); PubMed 19626676 (cited by 3 submitters); PubMed 31187502 (cited by Clinical Omics and Informatics (COIN) Unit, Neuroscience Institute, University Of Cape Town and Illumina Laboratory Services, Illumina); PubMed 31379041 (cited by Illumina Laboratory Services, Illumina); PubMed 31461494 (cited by Illumina Laboratory Services, Illumina); PubMed 32042921 (cited by Illumina Laboratory Services, Illumina); PubMed 35159298 (cited by Illumina Laboratory Services, Illumina); PubMed 39825153 (cited by Solve-RD Consortium).